The following is an entry in ClinVar:

ClinVar aggregate classification (germline): Uncertain significance. Review status: criteria provided, multiple submitters, no conflicts (2 of 4 stars). 2 submissions from 2 submitters: Uncertain significance (2). Last evaluated 2023-05-24.

gnomAD v4.1: 14 of 1,564,628 alleles (0.00089%); highest among the groups gnomAD compares: Middle Eastern, 0.017%; no homozygotes.

Submissions (2):

Ambry Genetics
Classification: Uncertain significance. Last evaluated: 2023-05-24. Review status: criteria provided, single submitter. Criteria: Ambry Variant Classification Scheme 2023. Collection method: clinical testing. Allele origin: germline.

Labcorp Genetics (formerly Invitae), Labcorp
Classification: Uncertain significance. Last evaluated: 2021-09-24. Review status: criteria provided, single submitter. Criteria: Invitae Variant Classification Sherloc (09022015). Collection method: clinical testing. Allele origin: germline.
Comment: This sequence change replaces aspartic acid with tyrosine at codon 64 of the IFNAR1 protein (p.Asp64Tyr). The aspartic acid residue is moderately conserved and there is a large physicochemical difference between aspartic acid and tyrosine. This variant is present in population databases (rs142438988, ExAC 0.006%). This variant has not been reported in the literature in individuals with IFNAR1-related conditions. Algorithms developed to predict the effect of missense changes on protein structure and function output the following: SIFT: "Tolerated"; PolyPhen-2: "Possibly Damaging"; Align-GVGD: "Class C0". The tyrosine amino acid residue is found in multiple mammalian species, suggesting that this missense change does not adversely affect protein function. These predictions have not been confirmed by published functional studies and their clinical significance is uncertain. In summary, the available evidence is currently insufficient to determine the role of this variant in disease. Therefore, it has been classified as a Variant of Uncertain Significance.

NM_000629.3(IFNAR1):c.190G>T (p.Asp64Tyr)

Gene: IFNAR1 (interferon alpha and beta receptor subunit 1; plus strand). Cytogenetic location: 21q22.11.
Variant type: single nucleotide variant.
Coding change: c.190G>T on transcript NM_000629.3 (MANE Select); coding-DNA position 190, G replaced by T.
Protein change: p.Asp64Tyr; replaces aspartic acid 64 with tyrosine.
Molecular consequence: missense variant. On other transcripts: 5 prime UTR variant (3).
Genome position (GRCh38, 1-based): chr21:33,335,637, G>T. VCF-style: chr21-33335637-G-T. GRCh37 (hg19) VCF-style: chr21-34707943-G-T.
Other names: c.190G>T, p.Asp64Tyr (NM_001384498.1, NM_001384499.1, NM_001384501.1 and 1 more transcripts); c.-597G>T (NM_001384500.1); c.-194G>T (NM_001384502.1); c.-18G>T (NM_001384504.1); c.190G>T (NM_000629.2); short protein forms D64Y.
Identifiers: ClinVar variation 1361002 (VCV001361002.6), dbSNP rs142438988, ClinGen allele CA10006407.